The following is an entry in ClinVar:

ClinVar aggregate classification (germline): Uncertain significance. Review status: criteria provided, multiple submitters, no conflicts (2 of 4 stars). 4 submissions from 4 submitters: Uncertain significance (3). 1 of the submissions does not count toward it. Last evaluated 2026-01-27.

Conditions:
Epidermolysis bullosa simplex, Ogna type (EBS5A). Also called: Pidermolysis bullosa simplex 5A, Ogna type; EPIDERMOLYSIS BULLOSA SIMPLEX 5A, OGNA TYPE. Identifiers: Orphanet 79401, MedGen C0432317, MONDO:0007555, OMIM 131950.
PLEC-related disorder. Also called: PLEC-related disorders; PLEC-related condition.
Epidermolysis bullosa simplex 5B, with muscular dystrophy (EBS5B). Also called: Epidermolysis bullosa simplex with muscular dystrophy; EPIDERMOLYSIS BULLOSA SIMPLEX AND LIMB-GIRDLE MUSCULAR DYSTROPHY. Identifiers: Orphanet 257, MedGen C2931072, MONDO:0009181, OMIM 226670.
Epidermolysis bullosa simplex 5C, with pyloric atresia (EBS5C). Also called: PLEC-Related Epidermolysis Bullosa with Pyloric Atresia; Epidermolysis bullosa simplex with pyloric atresia; PLEC1-Related Epidermolysis Bullosa with Pyloric Atresia. Identifiers: Orphanet 158684, MedGen C2677349, MONDO:0012807, OMIM 612138.
Autosomal recessive limb-girdle muscular dystrophy type 2Q (LGMDR17). Also called: MUSCULAR DYSTROPHY, LIMB-GIRDLE, AUTOSOMAL RECESSIVE 17. Identifiers: Orphanet 254361, MedGen C3150989, MONDO:0013390, OMIM 613723.
Epidermolysis bullosa simplex with nail dystrophy (EBS5D). Identifiers: MedGen C4225309, MONDO:0014661, OMIM 616487.

Allele frequency attached by ClinVar (database versions not stated): TOPMed 0.00003; gnomAD 0.00005; gnomAD exomes 0.00008.
gnomAD v4.1: 95 of 1,585,428 alleles (0.006%); highest among the groups gnomAD compares: South Asian, 0.038%; no homozygotes.

Submissions (4):

Labcorp Genetics (formerly Invitae), Labcorp
Classification: Uncertain significance for Autosomal recessive limb-girdle muscular dystrophy type 2Q; Epidermolysis bullosa simplex, Ogna type; Epidermolysis bullosa simplex with nail dystrophy; Epidermolysis bullosa simplex 5C, with pyloric atresia; Epidermolysis bullosa simplex 5B, with muscular dystrophy. Last evaluated: 2026-01-27. Review status: criteria provided, single submitter. Criteria: Invitae Variant Classification Sherloc (09022015). Collection method: clinical testing. Allele origin: germline.
Comment: This sequence change replaces glutamic acid, which is acidic and polar, with alanine, which is neutral and non-polar, at codon 2005 of the PLEC protein (p.Glu2005Ala). This variant is present in population databases (rs782017511, gnomAD 0.03%). This variant has not been reported in the literature in individuals affected with PLEC-related conditions. ClinVar contains an entry for this variant (Variation ID: 595988). Experimental studies and prediction algorithms are not available or were not evaluated, and the functional significance of this variant is currently unknown. In summary, the available evidence is currently insufficient to determine the role of this variant in disease. Therefore, it has been classified as a Variant of Uncertain Significance.

Foundation for Research in Genetics and Endocrinology, FRIGE's Institute of Human Genetics
Classification: Uncertain significance for Epidermolysis bullosa simplex, Ogna type. Last evaluated: 2025-02-06. Review status: criteria provided, single submitter. Criteria: ACMG Guidelines, 2015. Collection method: clinical testing. Allele origin: germline. Inheritance: Autosomal dominant inheritance. Affected: yes. Observed: 1 heterozygote.
Comment: A heterozygous missense variant in exon 31 of the PLEC gene that results in the amino acid substitution of Glutamine for Alanine at codon 1978 was detected. The observed variant c.5933A>C (p.Glu1978Ala) has not been reported in the 1000 genomes and has a MAF of 0.006% in gnomAD databases. The in silico prediction of the variant are possibly damaging by MutationTaster2, Eve, DANN and MetaLR. In summary, the variant meets our criteria to be classified as variant of uncertain significance.

Eurofins Ntd Llc (ga)
Classification: Uncertain significance. Last evaluated: 2018-02-13. Review status: criteria provided, single submitter. Criteria: EGL ClinVar v180209 classification definitions. Collection method: clinical testing. Allele origin: germline. Observed: 1 variant allele, 1 homozygote.

PreventionGenetics, part of Exact Sciences
Classification: Uncertain significance for PLEC-related condition. Last evaluated: 2023-10-21. Review status: no assertion criteria provided. Collection method: clinical testing. Allele origin: germline. Not counted in ClinVar's aggregate classification.
Comment: The PLEC c.6014A>C variant is predicted to result in the amino acid substitution p.Glu2005Ala. To our knowledge, this variant has not been reported in the literature. This variant is reported in 0.031% of alleles in individuals of South Asian descent in gnomAD. At this time, the clinical significance of this variant is uncertain due to the absence of conclusive functional and genetic evidence.

NM_201384.3(PLEC):c.5933A>C (p.Glu1978Ala)

Gene: PLEC (plectin; minus strand). Cytogenetic location: 8q24.3.
Variant type: single nucleotide variant.
Coding change: c.5933A>C on transcript NM_201384.3 (MANE Select); coding-DNA position 5933, A replaced by C.
Protein change: p.Glu1978Ala; replaces glutamic acid 1978 with alanine.
Molecular consequence: missense variant.
Genome position (GRCh38, 1-based): chr8:143,923,996, T>G on the plus strand (A>C on the coding strand, the complement: PLEC is on the minus strand). VCF-style: chr8-143923996-T-G. GRCh37 (hg19) VCF-style: chr8-144998164-T-G.
Other names: p.Glu1978Ala; c.6014A>C, p.Glu2005Ala (NM_000445.5); c.5891A>C, p.Glu1964Ala (NM_201378.4); c.5867A>C, p.Glu1956Ala (NM_201379.3); c.6344A>C, p.Glu2115Ala (NM_201380.4); c.5837A>C, p.Glu1946Ala (NM_201381.3); c.5933A>C, p.Glu1978Ala (NM_201382.4); c.5945A>C, p.Glu1982Ala (NM_201383.3); short protein forms E1964A, E1978A, E1946A, E1956A, E1982A, E2005A, E2115A.
Identifiers: ClinVar variation 595988 (VCV000595988.14), dbSNP rs782017511, ClinGen allele CA4926185.